The following is an entry in ClinVar:

NM_001375808.2(LPIN2):c.2088-7T>G

Gene: LPIN2 (lipin 2; minus strand). Cytogenetic location: 18p11.31.
Variant type: single nucleotide variant.
Coding change: c.2088-7T>G on transcript NM_001375808.2 (MANE Select); 7 bases into the intron before coding-DNA position 2088, T replaced by G.
Molecular consequence: intron variant.
Genome position (GRCh38, 1-based): chr18:2,923,868, A>C on the plus strand (T>G on the coding strand, the complement: LPIN2 is on the minus strand). VCF-style: chr18-2923868-A-C. GRCh37 (hg19) VCF-style: chr18-2923866-A-C.
Other names: c.2088-7T>G (NM_014646.2, NM_001375809.1).
Identifiers: ClinVar variation 246320 (VCV000246320.21), dbSNP rs199713353, ClinGen allele CA8872851.

ClinVar aggregate classification (germline): Likely benign. Review status: criteria provided, multiple submitters, no conflicts (2 of 4 stars). 5 submissions from 5 submitters: Likely benign (5). Last evaluated 2025-09-30.

Conditions:
LPIN2-related disorder. Also called: LPIN2-related condition.
Majeed syndrome (MJDS). Also called: LPIN2-Related Majeed Syndrome; CHRONIC RECURRENT MULTIFOCAL OSTEOMYELITIS 1, WITH CONGENITAL DYSERYTHROPOIETIC ANEMIA, WITH OR WITHOUT NEUTROPHILIC DERMATOSIS. Identifiers: Orphanet 77297, MedGen C1864997, MONDO:0012316, OMIM 609628.

Allele frequency attached by ClinVar (database versions not stated): ExAC 0.00006; gnomAD exomes 0.00006; gnomAD 0.00010 and 0.00011; TOPMed 0.00010; 1000 Genomes Project 30x 0.00016; 1000 Genomes Project 0.00020.
gnomAD v4.1: 123 of 1,612,828 alleles (0.0076%); highest among the groups gnomAD compares: African/African-American, 0.021%; no homozygotes.

Submissions (6):

Labcorp Genetics (formerly Invitae), Labcorp
Classification: Likely benign for Majeed syndrome. Last evaluated: 2025-09-30. Review status: criteria provided, single submitter. Criteria: Invitae Variant Classification Sherloc (09022015). Collection method: clinical testing. Allele origin: germline.

PreventionGenetics, part of Exact Sciences
Classification: Likely benign for LPIN2-related condition. Last evaluated: 2025-05-22. Review status: criteria provided, single submitter. Criteria: ACMG Guidelines, 2015. Collection method: clinical testing. Allele origin: germline.
Comment: This variant is classified as likely benign based on ACMG/AMP sequence variant interpretation guidelines (Richards et al. 2015 PMID: 25741868, with internal and published modifications).

Blueprint Genetics
Classification: Likely benign. Last evaluated: 2024-09-02. Review status: criteria provided, single submitter. Criteria: ACMG Guidelines, 2015. Collection method: clinical testing. Allele origin: germline.

ARUP Laboratories, Molecular Genetics and Genomics, ARUP Laboratories
Classification: Likely benign for Majeed syndrome. Last evaluated: 2019-08-12. Review status: criteria provided, single submitter. Criteria: ARUP Molecular Germline Variant Investigation Process. Collection method: clinical testing. Allele origin: germline.

GeneDx
Classification: Likely benign. Last evaluated: 2016-02-11. Review status: criteria provided, single submitter. Criteria: GeneDx Variant Classification (06012015). Collection method: clinical testing. Allele origin: germline. Affected: yes.
Comment: This variant is considered likely benign or benign based on one or more of the following criteria: it is a conservative change, it occurs at a poorly conserved position in the protein, it is predicted to be benign by multiple in silico algorithms, and/or has population frequency not consistent with disease.

Dr. Peter K. Rogan Lab, Western University
No classification provided (evidence only). Condition: Familial cancer of breast. Review status: no classification provided. Collection method: in vitro. Allele origin: not applicable. Functional consequence: retained intron. Not counted in ClinVar's aggregate classification.